The following is an entry in ClinVar:

NM_021956.5(GRIK2):c.805T>G (p.Tyr269Asp)

Gene: GRIK2 (glutamate ionotropic receptor kainate type subunit 2; plus strand). Cytogenetic location: 6q16.3.
Variant type: single nucleotide variant.
Coding change: c.805T>G on transcript NM_021956.5 (MANE Select); coding-DNA position 805, T replaced by G.
Protein change: p.Tyr269Asp; replaces tyrosine 269 with aspartic acid.
Molecular consequence: missense variant.
Genome position (GRCh38, 1-based): chr6:101,686,207, T>G. VCF-style: chr6-101686207-T-G. GRCh37 (hg19) VCF-style: chr6-102134082-T-G.
Other names: c.805T>G, p.Tyr269Asp (NM_001166247.1, NM_175768.3); short protein forms Y269D.
Identifiers: ClinVar variation 4072651 (VCV004072651.1).

ClinVar aggregate classification (germline): Uncertain significance (1 of 4 stars; one submission).

Submission:

GeneDx
Classification: Uncertain significance. Last evaluated: 2025-02-02. Review status: criteria provided, single submitter. Criteria: GeneDx Variant Classification Process June 2021. Collection method: clinical testing. Allele origin: germline. Affected: yes.
Comment: Not observed at significant frequency in large population cohorts (gnomAD); In silico analysis supports that this missense variant has a deleterious effect on protein structure/function; Has not been previously published as pathogenic or benign to our knowledge